The following is an entry in ClinVar:

NM_007294.3(BRCA1):c.4485-?_4986+?del

Gene: BRCA1 (BRCA1 DNA repair associated; minus strand). Cytogenetic location: 17q21.31.
Variant type: Deletion.
Coding change: c.4485-?_4986+?del on transcript NM_007294.3.
Other names: Deletion Exons 14-15; c.4485-?_4986+?del (LRG_292t1).
Identifiers: ClinVar variation 89066 (VCV000089066.4).

ClinVar aggregate classification (germline): Pathogenic. Review status: criteria provided, multiple submitters, no conflicts (2 of 4 stars). 3 submissions from 3 submitters: Pathogenic (3). Last evaluated 2017-01-12.

Conditions:
Breast-ovarian cancer, familial, susceptibility to, 1 (BROVCA1). Also called: BRCA1 Hereditary Breast and Ovarian Cancer; OVARIAN CANCER, SUSCEPTIBILITY TO. Identifiers: Orphanet 145, MedGen C2676676, MONDO:0011450, OMIM 604370. Disease mechanism: loss of function.
Hereditary breast ovarian cancer syndrome. Also called: BRCA1- and BRCA2-Associated Hereditary Breast and Ovarian Cancer; Hereditary breast and ovarian cancer syndrome; Hereditary breast and ovarian cancer syndrome (HBOC); Breast and ovarian cancer; Hereditary breast and/or ovarian cancer syndrome; Hereditary breast and ovarian cancer. Identifiers: Orphanet 145, MedGen C0677776, MeSH D061325, MONDO:0003582. Disease mechanism: loss of function.
Familial cancer of breast. Also called: hereditary breast carcinoma; BREAST CANCER, FAMILIAL; Hereditary breast cancer. Identifiers: Orphanet 227535, MedGen C0346153, MONDO:0016419, OMIM 114480. Disease mechanism: loss of function.

Submissions (3):

Labcorp Genetics (formerly Invitae), Labcorp
Classification: Pathogenic for Hereditary breast ovarian cancer syndrome. Last evaluated: 2017-01-12. Review status: criteria provided, single submitter. Criteria: Invitae Variant Classification Sherloc (09022015). Collection method: clinical testing. Allele origin: germline.
Comment: This variant is a gross deletion of the genomic region encompassing exons 14-15 of the BRCA1 gene. This creates a premature translational stop signal and is expected to result in an absent or disrupted protein product. Loss-of-function variants in BRCA1 are known to be pathogenic. A similar deletion has been reported in the literature in patients with breast and/or ovarian cancer (PMID: 12203994, 24825132). This variant is also known as a deletion of exons 15-16 in the literature. For these reasons, this variant has been classified as Pathogenic.

Consortium of Investigators of Modifiers of BRCA1/2 (CIMBA), c/o University of Cambridge
Classification: Pathogenic for Breast-ovarian cancer, familial, susceptibility to, 1. Last evaluated: 2015-10-02. Review status: criteria provided, single submitter. Criteria: CIMBA Mutation Classification guidelines May 2016. Collection method: clinical testing. Allele origin: germline.

GeneDx
Classification: Pathogenic for Familial cancer of breast. Review status: criteria provided, single submitter. Criteria: GeneDx Variant Classification (06012015). Collection method: clinical testing. Allele origin: germline.
Comment: whole or partial BRCA1 and BRCA2 large deletions and duplications have been reported in approximately 6-10% of individuals with BRCA-associated Hereditary Breast and Ovarian Cancer (Judkins 2012)